The following is an entry in ClinVar:

NM_001174089.2(SLC4A11):c.1717_1718insTTGCTGGGCT (p.Tyr573fs)

Gene: SLC4A11 (solute carrier family 4 member 11; minus strand). Cytogenetic location: 20p13.
Variant type: Insertion.
Coding change: c.1717_1718insTTGCTGGGCT on transcript NM_001174089.2 (MANE Select); coding-DNA positions 1717 to 1718, TTGCTGGGCT inserted.
Protein change: p.Tyr573fs; shifts the reading frame from tyrosine 573.
Molecular consequence: frameshift variant. On other transcripts: non-coding transcript variant (1).
Genome position: GRCh38 VCF-style: chr20-3229548-T-TAGCCCAGCAA. GRCh37 (hg19) VCF-style: chr20-3210194-T-TAGCCCAGCAA.
Other names: c.1846_1847insTTGCTGGGCT, p.Tyr616fs (NM_001174090.2); c.1603_1604insTTGCTGGGCT, p.Tyr535fs (NM_001363745.2); c.1765_1766insTTGCTGGGCT, p.Tyr589fs (NM_032034.4); short protein forms Y589fs, Y573fs, Y535fs, Y616fs.
Identifiers: ClinVar variation 1460120 (VCV001460120.6), dbSNP rs2122523501, ClinGen allele CA2573156902.
Genomic context (GRCh38, chr20:3,229,548, plus strand): 5'-CCATGCGGCCCCTCCCCTCCCCATGCAGCCCCTCACCTCTTCTTGAATTGGTAGAGGGTG[T>TAGCCCAGCAA]AGCCCAGCCAGAGCGTGCCCAGCATGATGAGGAGGCTGAGCACGGCGGTCGCCTGGCCTG-3'

ClinVar aggregate classification (germline): Pathogenic (1 of 4 stars; one submission).

Submission:

Labcorp Genetics (formerly Invitae), Labcorp
Classification: Pathogenic. Last evaluated: 2021-08-13. Review status: criteria provided, single submitter. Criteria: Invitae Variant Classification Sherloc (09022015). Collection method: clinical testing. Allele origin: germline.
Comment: For these reasons, this variant has been classified as Pathogenic. This variant has not been reported in the literature in individuals affected with SLC4A11-related conditions. This variant is not present in population databases (ExAC no frequency). This sequence change creates a premature translational stop signal (p.Tyr589Phefs*161) in the SLC4A11 gene. It is expected to result in an absent or disrupted protein product. Loss-of-function variants in SLC4A11 are known to be pathogenic (PMID: 17220209, 17679935).

Literature cited by the submitters: PubMed 17220209; PubMed 17679935.